The following is an entry in ClinVar:

NM_007294.4(BRCA1):c.5248A>G (p.Lys1750Glu)

Gene: BRCA1 (BRCA1 DNA repair associated; minus strand). Cytogenetic location: 17q21.31.
Variant type: single nucleotide variant.
Coding change: c.5248A>G on transcript NM_007294.4 (MANE Select); coding-DNA position 5248, A replaced by G.
Protein change: p.Lys1750Glu; replaces lysine 1750 with glutamic acid.
Molecular consequence: missense variant. On other transcripts: non-coding transcript variant (1).
Genome position (GRCh38, 1-based): chr17:43,057,081, T>C on the plus strand (A>G on the coding strand, the complement: BRCA1 is on the minus strand). VCF-style: chr17-43057081-T-C. GRCh37 (hg19) VCF-style: chr17-41209098-T-C.
Other names: c.5035A>G, p.Lys1679Glu (NM_001407571.1, NM_001407900.1, NM_001407902.1 and 12 more transcripts); c.5314A>G, p.Lys1772Glu (NM_001407581.1, NM_001407582.1); c.5311A>G, p.Lys1771Glu (NM_001407583.1, NM_001407585.1, NM_001407587.1 and 1 more transcripts); c.5245A>G, p.Lys1749Glu (NM_001407610.1, NM_001407611.1, NM_001407612.1 and 17 more transcripts); c.5242A>G, p.Lys1748Glu (NM_001407629.1, NM_001407630.1, NM_001407631.1 and 14 more transcripts); c.5188A>G, p.Lys1730Glu (NM_001407649.1); c.5170A>G, p.Lys1724Glu (NM_001407652.1, NM_001407653.1, NM_001407654.1 and 1 more transcripts); c.5167A>G, p.Lys1723Glu (NM_001407656.1, NM_001407657.1, NM_001407658.1); and 72 more; short protein forms K646E, K1750E, K1703E, K1771E, K1454E, K1639E, K1678E, K1681E.
Identifiers: ClinVar variation 865200 (VCV000865200.3), dbSNP rs2051507325, ClinGen allele CA10591052.

Conditions:
Breast-ovarian cancer, familial, susceptibility to, 1 (BROVCA1). Also called: BRCA1 Hereditary Breast and Ovarian Cancer; OVARIAN CANCER, SUSCEPTIBILITY TO. Identifiers: Orphanet 145, MedGen C2676676, MONDO:0011450, OMIM 604370. Disease mechanism: loss of function.

Submission:

Brotman Baty Institute, University of Washington
No classification provided (evidence only). Condition: Breast-ovarian cancer, familial 1. Review status: no classification provided. Collection method: in vitro. Allele origin: not applicable. Functional consequence: functionally_normal.
ClinVar note: "not provided" was previously submitted as the classification for the variant. However, the classification appeared to be based only on an observation of functional data so it was converted to no classification on 2025-07-30.